The following is an entry in ClinVar:

ClinVar aggregate classification (germline): Uncertain significance (1 of 4 stars; one submission).

Conditions:
Gastrointestinal stromal tumor. Also called: Gastrointestinal stromal tumor, somatic; Gastrointestinal stroma tumor. Identifiers: Orphanet 44890, MedGen C0238198, MeSH D046152, MONDO:0011719, OMIM 606764, HP:0100723.

Submission:

Labcorp Genetics (formerly Invitae), Labcorp
Classification: Uncertain significance for Gastrointestinal stromal tumor. Last evaluated: 2019-09-12. Review status: criteria provided, single submitter. Criteria: Invitae Variant Classification Sherloc (09022015). Collection method: clinical testing. Allele origin: germline.
Comment: This sequence change replaces isoleucine with methionine at codon 315 of the PDGFRA protein (p.Ile315Met). The isoleucine residue is moderately conserved and there is a small physicochemical difference between isoleucine and methionine. This variant is not present in population databases (ExAC no frequency). In summary, the available evidence is currently insufficient to determine the role of this variant in disease. Therefore, it has been classified as a Variant of Uncertain Significance. Algorithms developed to predict the effect of missense changes on protein structure and function (SIFT, PolyPhen-2, Align-GVGD) all suggest that this variant is likely to be tolerated, but these predictions have not been confirmed by published functional studies and their clinical significance is uncertain. This variant has not been reported in the literature in individuals with PDGFRA-related conditions.

NM_006206.6(PDGFRA):c.945T>G (p.Ile315Met)

Gene: PDGFRA (platelet derived growth factor receptor alpha; plus strand). Cytogenetic location: 4q12.
Variant type: single nucleotide variant.
Coding change: c.945T>G on transcript NM_006206.6 (MANE Select); coding-DNA position 945, T replaced by G.
Protein change: p.Ile315Met; replaces isoleucine 315 with methionine.
Molecular consequence: missense variant.
Genome position (GRCh38, 1-based): chr4:54,267,565, T>G. VCF-style: chr4-54267565-T-G. GRCh37 (hg19) VCF-style: chr4-55133732-T-G.
Other names: c.945T>G, p.Ile315Met (NM_001347827.2, NM_001347829.2); c.1020T>G, p.Ile340Met (NM_001347828.2); c.984T>G, p.Ile328Met (NM_001347830.2); short protein forms I315M, I340M, I328M.
Identifiers: ClinVar variation 958357 (VCV000958357.10), dbSNP rs149222227, ClinGen allele CA96852165.